The following is an entry in ClinVar:

NC_000005.10:g.112707366T>G

Gene: APC (APC regulator of Wnt signaling pathway; plus strand). Cytogenetic location: 5q22.2.
Variant type: single nucleotide variant.
Genome position: GRCh38 VCF-style: chr5-112707366-T-G. GRCh37 (hg19) VCF-style: chr5-112043063-T-G.
Identifiers: ClinVar variation 1495121 (VCV001495121.7), dbSNP rs929883108, ClinGen allele CA1573442208.

ClinVar aggregate classification (germline): Uncertain significance (1 of 4 stars; one submission).

Conditions:
Familial adenomatous polyposis 1 (FAP1). Also called: FAMILIAL ADENOMATOUS POLYPOSIS 1, ATTENUATED; POLYPOSIS, ADENOMATOUS INTESTINAL. Identifiers: MedGen C2713442, MONDO:0021056, OMIM 175100. Disease mechanism: loss of function.

Submission:

Labcorp Genetics (formerly Invitae), Labcorp
Classification: Uncertain significance for Familial adenomatous polyposis 1. Last evaluated: 2025-07-31. Review status: criteria provided, single submitter. Criteria: Invitae Variant Classification Sherloc (09022015). Collection method: clinical testing. Allele origin: germline.
Comment: This variant occurs in a non-coding region of the APC gene. It does not change the encoded amino acid sequence of the APC protein. This variant is not present in population databases (gnomAD no frequency). This variant has not been reported in the literature in individuals affected with APC-related conditions. Experimental studies and prediction algorithms are not available or were not evaluated, and the functional significance of this variant is currently unknown. In summary, the available evidence is currently insufficient to determine the role of this variant in disease. Therefore, it has been classified as a Variant of Uncertain Significance.